The following is an entry in ClinVar:

ClinVar aggregate classification (germline): Uncertain significance (1 of 4 stars; one submission).

Submission:

GeneDx
Classification: Uncertain significance. Last evaluated: 2021-03-16. Review status: criteria provided, single submitter. Criteria: GeneDx Variant Classification Process June 2021. Collection method: clinical testing. Allele origin: germline. Affected: yes.
Comment: Not observed in large population cohorts (Lek et al., 2016); In silico analysis, which includes protein predictors and evolutionary conservation, supports a deleterious effect; Has not been previously published as pathogenic or benign to our knowledge

NM_198253.3(TERT):c.3100C>G (p.Arg1034Gly)

Gene: TERT (telomerase reverse transcriptase; minus strand). Cytogenetic location: 5p15.33.
Variant type: single nucleotide variant.
Coding change: c.3100C>G on transcript NM_198253.3 (MANE Select); coding-DNA position 3100, C replaced by G.
Protein change: p.Arg1034Gly; replaces arginine 1034 with glycine.
Molecular consequence: missense variant. On other transcripts: non-coding transcript variant (2).
Genome position (GRCh38, 1-based): chr5:1,255,344, G>C on the plus strand (C>G on the coding strand, the complement: TERT is on the minus strand). VCF-style: chr5-1255344-G-C. GRCh37 (hg19) VCF-style: chr5-1255459-G-C.
Other names: c.2911C>G, p.Arg971Gly (NM_001193376.3); short protein forms R1034G, R971G.
Identifiers: ClinVar variation 1321001 (VCV001321001.2), dbSNP rs777672180, ClinGen allele CA359068174.